The following is an entry in ClinVar:

NM_024721.5(ZFHX4):c.1230dup (p.Leu411fs)

Gene: ZFHX4 (zinc finger homeobox 4; plus strand). Cytogenetic location: 8q21.13.
Variant type: Duplication.
Coding change: c.1230dup on transcript NM_024721.5 (MANE Select); coding-DNA position 1230, one base duplicated (G; older notation c.1230dupG).
Protein change: p.Leu411fs; shifts the reading frame from leucine 411.
Molecular consequence: frameshift variant.
Genome position (GRCh38, 1-based): chr8:76,705,318, G duplicated; the last of 7 consecutive G bases (chr8:76,705,312-76,705,318); duplicating any one gives the same sequence. VCF-style (leftmost placement, unchanged base first): chr8-76705311-T-TG. GRCh37 (hg19) VCF-style: chr8-77617546-T-TG.
Other names: c.1230dup (NM_024721.4); c.1230dup, p.Leu411fs (NM_001410934.1); short protein forms L411fs.
Identifiers: ClinVar variation 2673153 (VCV002673153.25), dbSNP rs761578656, ClinGen allele CA4786780.

ClinVar aggregate classification (germline): Uncertain significance. Review status: criteria provided, multiple submitters, no conflicts (2 of 4 stars). 3 submissions from 3 submitters: Uncertain significance (3). Last evaluated 2024-06-26.

Submissions (3):

GeneDx
Classification: Uncertain significance. Last evaluated: 2024-06-26. Review status: criteria provided, single submitter. Criteria: GeneDx Variant Classification Process June 2021. Collection method: clinical testing. Allele origin: germline. Affected: yes.
Comment: Frameshift variant predicted to result in protein truncation or nonsense mediated decay in a gene or region of a gene for which loss of function is not a well-established mechanism of disease; Has not been previously published as pathogenic or benign to our knowledge; Variants in candidate genes are classified as variants of uncertain significance in accordance with ACMG guidelines (PMID: 25741868)

CeGaT Center for Human Genetics Tuebingen
Classification: Uncertain significance. Last evaluated: 2023-11-01. Review status: criteria provided, single submitter. Criteria: CeGaT Center For Human Genetics Tuebingen Variant Classification Criteria Version 2. Collection method: clinical testing. Allele origin: germline. Affected: yes. Observed: 1 variant allele.
Comment: ZFHX4: PM2

Blueprint Genetics
Classification: Uncertain significance. Last evaluated: 2022-03-17. Review status: criteria provided, single submitter. Criteria: ACMG Guidelines, 2015. Collection method: clinical testing. Allele origin: germline.